The following is an entry in ClinVar:

ClinVar aggregate classification (germline): Likely benign (0 of 4 stars; one submission).

Conditions:
PLXNA3-related disorder. Also called: PLXNA3-related condition.

Allele frequency attached by ClinVar (database versions not stated): gnomAD 0.00001; gnomAD exomes 0.00001; TOPMed 0.00001; ExAC 0.00003.
gnomAD v4.1: 14 of 1,210,028 alleles (0.0012%); highest among the groups gnomAD compares: Non-Finnish European, 0.0016%; no homozygotes.

Submission:

PreventionGenetics, part of Exact Sciences
Classification: Likely benign for PLXNA3-related condition. Last evaluated: 2024-01-04. Review status: no assertion criteria provided. Collection method: clinical testing. Allele origin: germline.
Comment: This variant is classified as likely benign based on ACMG/AMP sequence variant interpretation guidelines (Richards et al. 2015 PMID: 25741868, with internal and published modifications).

NM_017514.5(PLXNA3):c.1662T>C (p.Pro554=)

Gene: PLXNA3 (plexin A3; plus strand). Cytogenetic location: Xq28.
Variant type: single nucleotide variant.
Coding change: c.1662T>C on transcript NM_017514.5 (MANE Select); coding-DNA position 1662, T replaced by C.
Protein change: p.Pro554=; no amino-acid change (proline 554 retained).
Molecular consequence: synonymous variant.
Genome position (GRCh38, 1-based): chrX:154,464,065, T>C. VCF-style: chrX-154464065-T-C. GRCh37 (hg19) VCF-style: chrX-153692408-T-C.
Identifiers: ClinVar variation 3029318 (VCV003029318.2), dbSNP rs782188114, ClinGen allele CA10564120.